The following is an entry in ClinVar:

NM_000136.3(FANCC):c.14C>G (p.Ser5Ter)

Gene: FANCC (FA complementation group C; minus strand). Cytogenetic location: 9q22.32.
Variant type: single nucleotide variant.
Coding change: c.14C>G on transcript NM_000136.3 (MANE Select); coding-DNA position 14, C replaced by G.
Protein change: p.Ser5Ter; replaces serine 5 with a stop codon.
Molecular consequence: nonsense.
Genome position (GRCh38, 1-based): chr9:95,249,278, G>C on the plus strand (C>G on the coding strand, the complement: FANCC is on the minus strand). VCF-style: chr9-95249278-G-C. GRCh37 (hg19) VCF-style: chr9-98011560-G-C.
Other names: c.14C>G, p.Ser5Ter (NM_001243743.2, NM_001243744.2); short protein forms S5*.
Identifiers: ClinVar variation 3512801 (VCV003512801.1).
Genomic context (GRCh38, chr9:95,249,278, plus strand): 5'-GCCTGATCCCATACAGAAAGCTTCTGCATCCAAAACTGATAATCACAAGAAAGATCTACT[G>C]AATCTTGAGCCATCTTGGAAAAAGCGAAAAGGTGATGTCCCTTCACAGCAGCCTGTCCAG-3'

ClinVar aggregate classification (germline): Pathogenic (1 of 4 stars; one submission).

Conditions:
Hereditary cancer-predisposing syndrome. Also called: Tumor predisposition; Neoplastic Syndromes, Hereditary; Hereditary Cancer Syndrome; Hereditary neoplastic syndrome. Identifiers: Orphanet 140162, MedGen C0027672, MeSH D009386, MONDO:0015356.

Submission:

Ambry Genetics
Classification: Pathogenic for Hereditary cancer-predisposing syndrome. Last evaluated: 2024-11-27. Review status: criteria provided, single submitter. Criteria: Ambry Variant Classification Scheme 2023. Collection method: clinical testing. Allele origin: germline.
Comment: The p.S5* pathogenic mutation (also known as c.14C>G), located in coding exon 1 of the FANCC gene, results from a C to G substitution at nucleotide position 14. This changes the amino acid from a serine to a stop codon within coding exon 1. This variant is considered to be rare based on population cohorts in the Genome Aggregation Database (gnomAD). This alteration is expected to result in loss of function by premature protein truncation or nonsense-mediated mRNA decay. As such, this alteration is interpreted as a disease-causing mutation.